The following is an entry in ClinVar:

NM_001009944.3(PKD1):c.9779A>G (p.Lys3260Arg)

Gene: PKD1 (polycystin 1, transient receptor potential channel interacting; minus strand). Cytogenetic location: 16p13.3.
Variant type: single nucleotide variant.
Coding change: c.9779A>G on transcript NM_001009944.3 (MANE Select); coding-DNA position 9779, A replaced by G.
Protein change: p.Lys3260Arg; replaces lysine 3260 with arginine.
Molecular consequence: missense variant.
Genome position (GRCh38, 1-based): chr16:2,100,005, T>C on the plus strand (A>G on the coding strand, the complement: PKD1 is on the minus strand). VCF-style: chr16-2100005-T-C. GRCh37 (hg19) VCF-style: chr16-2150006-T-C.
Other names: c.9779A>G, p.Lys3260Arg (NM_000296.4); short protein forms K3260R.
Identifiers: ClinVar variation 4531547 (VCV004531547.2).

ClinVar aggregate classification (germline): Uncertain significance. Review status: criteria provided, multiple submitters, no conflicts (2 of 4 stars). 2 submissions from 2 submitters: Uncertain significance (2). Last evaluated 2025-08-18.

Conditions:
Polycystic kidney disease, adult type (PKD1). Also called: Polycystic Kidney, Autosomal Dominant; POLYCYSTIC KIDNEY DISEASE, ADULT, TYPE I; Polycystic Kidney Disease 1, Autosomal Dominant; Polycystic kidney disease 1; Polycystic kidney disease 1, severe; POLYCYSTIC KIDNEY DISEASE 1 WITH OR WITHOUT POLYCYSTIC LIVER DISEASE. Identifiers: MedGen C3149841, MONDO:0008263, OMIM 173900.

Submissions (2):

Victorian Clinical Genetics Services, Murdoch Childrens Research Institute
Classification: Uncertain significance for Polycystic kidney disease, adult type. Last evaluated: 2025-08-18. Review status: criteria provided, single submitter. Criteria: ACMG Guidelines, 2015. Collection method: clinical testing. Allele origin: germline. Affected: yes.
Comment: This variant is classified as VUS-3B. Evidence in support of pathogenic classification: Variant is absent from gnomAD (v2, v3 and v4). Evidence in support of benign classification: Missense variant predicted to be tolerated by in silico tool(s) or not conserved in placental mammals with a minor amino acid change. Additional information: Variant is predicted to result in a missense amino acid change from Lys to Arg; This variant is heterozygous; This gene is associated with autosomal dominant disease. Polycystic kidney disease 1 (MIM#173900) is predominantly caused by monoallelic variants, with rare reports of biallelic variants causing disease (OMIM); Alternative amino acid change(s) at the same position are present in gnomAD (Highest allele count: v4: 4 heterozygote(s), 0 homozygote(s)); This variant has no previous evidence of pathogenicity; No published evidence of segregation with disease has been identified for this variant; No published functional evidence has been identified for this variant; No comparable missense variants have previous evidence for pathogenicity; Variant is not located in an established domain, motif, hotspot or informative constraint region; Loss of function is a known mechanism of disease in this gene and is associated with polycystic kidney disease 1 (MIM#173900); Inheritance information for this variant is not currently available in this individual.

Juno Genomics, Hangzhou Juno Genomics, Inc
Classification: Uncertain significance for Polycystic kidney disease, adult type. Review status: criteria provided, single submitter. Criteria: ACMG Guidelines, 2015. Collection method: clinical testing. Allele origin: germline. Affected: yes.
Comment: Absent from controls (or at extremely low frequency if recessive) in Genome Aggregation Database, Exome Sequencing Project, 1000 Genomes Project, or Exome Aggregation Consortium.;Multiple lines of computational evidence support a deleterious effect on the gene or gene product (conservation, evolutionary, splicing impact, etc).;Patient's phenotype or family history is highly specific for a disease with a single genetic etiology.